The following is an entry in ClinVar:

ClinVar aggregate classification (germline): Uncertain significance (1 of 4 stars; one submission).

Conditions:
Chédiak-Higashi syndrome (CHS). Also called: Chediak-Higashi Syndrome. Identifiers: Orphanet 167, MedGen C0007965, MONDO:0008963, OMIM 214500.

gnomAD v4.1: 2 of 1,614,176 alleles (0.00012%); highest among the groups gnomAD compares: Admixed American, 0.0033%; no homozygotes.

Submission:

Labcorp Genetics (formerly Invitae), Labcorp
Classification: Uncertain significance for Chédiak-Higashi syndrome. Last evaluated: 2022-08-16. Review status: criteria provided, single submitter. Criteria: Invitae Variant Classification Sherloc (09022015). Collection method: clinical testing. Allele origin: germline.
Comment: This sequence change replaces valine, which is neutral and non-polar, with leucine, which is neutral and non-polar, at codon 2199 of the LYST protein (p.Val2199Leu). This variant is present in population databases (no rsID available, gnomAD no frequency). This variant has not been reported in the literature in individuals affected with LYST-related conditions. Algorithms developed to predict the effect of missense changes on protein structure and function (SIFT, PolyPhen-2, Align-GVGD) all suggest that this variant is likely to be tolerated. In summary, the available evidence is currently insufficient to determine the role of this variant in disease. Therefore, it has been classified as a Variant of Uncertain Significance.

NM_000081.4(LYST):c.6595G>C (p.Val2199Leu)

Gene: LYST (lysosomal trafficking regulator; minus strand). Cytogenetic location: 1q42.3.
Variant type: single nucleotide variant.
Coding change: c.6595G>C on transcript NM_000081.4 (MANE Select); coding-DNA position 6595, G replaced by C.
Protein change: p.Val2199Leu; replaces valine 2199 with leucine.
Molecular consequence: missense variant.
Genome position (GRCh38, 1-based): chr1:235,759,258, C>G on the plus strand (G>C on the coding strand, the complement: LYST is on the minus strand). VCF-style: chr1-235759258-C-G. GRCh37 (hg19) VCF-style: chr1-235922558-C-G.
Other names: c.6595G>C, p.Val2199Leu (NM_001301365.1); short protein forms V2199L.
Identifiers: ClinVar variation 1913688 (VCV001913688.2), dbSNP rs1051027472, ClinGen allele CA39616180.
Genomic context (GRCh38, chr1:235,759,258, plus strand): 5'-CAGGACTGTCATCTTCTGACCTGGGTTCTGCTCCCAACTGTTTATGATCTGCTTTGACCA[C>G]TGGAAATCCCAGCACTCCCTTTGGGACATCACTGACAGAGACCTGGGCTGAGAGGACAGC-3'
Protein context (NP_000072.2, residues 2189-2209): DVPKGVLGFP[Val2199Leu]VKADHKQLGA